The following is an entry in ClinVar:

NM_001844.5(COL2A1):c.3384C>T (p.Gly1128=)

Gene: COL2A1 (collagen type II alpha 1 chain; minus strand). Cytogenetic location: 12q13.11.
Variant type: single nucleotide variant.
Coding change: c.3384C>T on transcript NM_001844.5 (MANE Select); coding-DNA position 3384, C replaced by T.
Protein change: p.Gly1128=; no amino-acid change (glycine 1128 retained).
Molecular consequence: synonymous variant.
Genome position (GRCh38, 1-based): chr12:47,976,863, G>A on the plus strand (C>T on the coding strand, the complement: COL2A1 is on the minus strand). VCF-style: chr12-47976863-G-A. GRCh37 (hg19) VCF-style: chr12-48370646-G-A.
Other names: c.3177C>T, p.Gly1059= (NM_033150.3).
Identifiers: ClinVar variation 596738 (VCV000596738.33), dbSNP rs145884117, ClinGen allele CA6534775.
Genomic context (GRCh38, chr12:47,976,863, plus strand): 5'-GACACTCACAGGAGGGCCGGGCAGACCCTGCAGACCAGTGAAGCCACGGTGTCCCTTCAG[G>A]CCTCTCTCGCCAGGCTCTCCAGCCTCTCCTTTGTCACCTCTGGGGCCTTGAGGACCCTGG-3'
Protein context (NP_001835.3, residues 1118-1138): KGEAGEPGER[Gly1128=]LKGHRGFTGL

ClinVar aggregate classification (germline): Benign/Likely benign. Review status: criteria provided, multiple submitters, no conflicts (2 of 4 stars). 8 submissions from 7 submitters: Benign (3); Likely benign (4). 1 of the submissions does not count toward it. Last evaluated 2026-01-13.

Conditions:
Type 2 collagenopathy. Identifiers: Orphanet 93421, MedGen C2931073, MONDO:0022800.
COL2A1-related disorder. Also called: COL2A1-related condition; COL2A1-related disorders.
Stickler syndrome type 1 (STL1). Also called: ARTHROOPHTHALMOPATHY, HEREDITARY PROGRESSIVE; STICKLER SYNDROME, MEMBRANOUS VITREOUS TYPE; STICKLER SYNDROME, VITREOUS TYPE 1; COL2A1-Related Stickler Syndrome. Identifiers: Orphanet 828, Orphanet 90653, MedGen C2020284, MONDO:0007160, OMIM 108300.

Allele frequency attached by ClinVar (database versions not stated): gnomAD exomes 0.00007 and 0.00017; ExAC 0.00028; ESP Exome Variant Server 0.00062; gnomAD 0.00066 and 0.00067; TOPMed 0.00071; 1000 Genomes Project 30x 0.00078; 1000 Genomes Project 0.00080.

Submissions (8):

Labcorp Genetics (formerly Invitae), Labcorp
Classification: Benign. Last evaluated: 2026-01-13. Review status: criteria provided, single submitter. Criteria: Invitae Variant Classification Sherloc (09022015). Collection method: clinical testing. Allele origin: germline.

ARUP Laboratories, Molecular Genetics and Genomics, ARUP Laboratories
Classification: Benign. Last evaluated: 2025-02-11. Review status: criteria provided, single submitter. Criteria: ARUP Molecular Germline Variant Investigation Process 2024. Collection method: clinical testing. Allele origin: germline.

Blueprint Genetics
Classification: Likely benign. Last evaluated: 2024-09-13. Review status: criteria provided, single submitter. Criteria: ACMG Guidelines, 2015. Collection method: clinical testing. Allele origin: germline.

GeneDx
Classification: Likely benign. Last evaluated: 2021-10-20. Review status: criteria provided, single submitter. Criteria: GeneDx Variant Classification Process June 2021. Collection method: clinical testing. Allele origin: germline. Affected: yes.

Eurofins Ntd Llc (ga)
Classification: Likely benign. Last evaluated: 2018-04-20. Review status: criteria provided, single submitter. Criteria: EGL ClinVar v180209 classification definitions. Collection method: clinical testing. Allele origin: germline. Observed: 1 variant allele, 1 heterozygote.

Illumina Laboratory Services, Illumina
Classification: Benign for Type II Collagenopathies. Last evaluated: 2018-01-13. Review status: criteria provided, single submitter. Criteria: ICSL Variant Classification Criteria 13 December 2019. Collection method: clinical testing. Allele origin: germline.
Comment: This variant was observed in the ICSL laboratory as part of a predisposition screen in an ostensibly healthy population. It had not been previously curated by ICSL or reported in the Human Gene Mutation Database (HGMD: prior to June 1st, 2018), and was therefore a candidate for classification through an automated scoring system. Utilizing variant allele frequency, disease prevalence and penetrance estimates, and inheritance mode, an automated score was calculated to assess if this variant is too frequent to cause the disease. Based on the score and internal cut-off values, a variant classified as benign is not then subjected to further curation. The score for this variant resulted in a classification of benign for this disease.

Illumina Laboratory Services, Illumina
Classification: Likely benign for Stickler syndrome type 1. Last evaluated: 2018-01-13. Review status: criteria provided, single submitter. Criteria: ICSL Variant Classification Criteria 13 December 2019. Collection method: clinical testing. Allele origin: germline.
Comment: This variant was observed in the ICSL laboratory as part of a predisposition screen in an ostensibly healthy population. It had not been previously curated by ICSL or reported in the Human Gene Mutation Database (HGMD: prior to June 1st, 2018), and was therefore a candidate for classification through an automated scoring system. Utilizing variant allele frequency, disease prevalence and penetrance estimates, and inheritance mode, an automated score was calculated to assess if this variant is too frequent to cause the disease. Based on the score and internal cut-off values, a variant classified as likely benign is not then subjected to further curation. The score for this variant resulted in a classification of likely benign for this disease.

PreventionGenetics, part of Exact Sciences
Classification: Likely benign for COL2A1-related condition. Last evaluated: 2020-09-29. Review status: no assertion criteria provided. Collection method: clinical testing. Allele origin: germline. Not counted in ClinVar's aggregate classification.
Comment: This variant is classified as likely benign based on ACMG/AMP sequence variant interpretation guidelines (Richards et al. 2015 PMID: 25741868, with internal and published modifications).